The following is an entry in ClinVar:

ClinVar aggregate classification (germline): Likely benign. Review status: criteria provided, multiple submitters, no conflicts (2 of 4 stars). 2 submissions from 2 submitters: Likely benign (2). Last evaluated 2025-10-02.

Conditions:
Epilepsy, childhood absence, susceptibility to, 1. Also called: Epilepsy, childhood absence 1. Identifiers: Orphanet 64280, MedGen C1838604, MONDO:0020759, OMIM 600131.
Epilepsy, childhood absence, susceptibility to, 5. Identifiers: Orphanet 64280, MedGen C2677087, MONDO:0012843, OMIM 612269.

Allele frequency attached by ClinVar (database versions not stated): gnomAD exomes 0.00002; TOPMed 0.00002; gnomAD 0.00003; ExAC 0.00004; ESP Exome Variant Server 0.00023.
gnomAD v4.1: 28 of 1,612,718 alleles (0.0017%); highest among the groups gnomAD compares: Non-Finnish European, 0.0023%; no homozygotes.

Submissions (2):

Labcorp Genetics (formerly Invitae), Labcorp
Classification: Likely benign for Epilepsy, childhood absence, susceptibility to, 5; Epilepsy, childhood absence, susceptibility to, 1. Last evaluated: 2025-10-02. Review status: criteria provided, single submitter. Criteria: Invitae Variant Classification Sherloc (09022015). Collection method: clinical testing. Allele origin: germline.

GeneDx
Classification: Likely benign. Last evaluated: 2016-06-06. Review status: criteria provided, single submitter. Criteria: GeneDx Variant Classification (06012015). Collection method: clinical testing. Allele origin: germline. Affected: yes.
Comment: This variant is considered likely benign or benign based on one or more of the following criteria: it is a conservative change, it occurs at a poorly conserved position in the protein, it is predicted to be benign by multiple in silico algorithms, and/or has population frequency not consistent with disease.

NM_000814.6(GABRB3):c.836-20C>T

Gene: GABRB3 (gamma-aminobutyric acid type A receptor subunit beta3; minus strand). Cytogenetic location: 15q12.
Variant type: single nucleotide variant.
Coding change: c.836-20C>T on transcript NM_000814.6 (MANE Select); 20 bases into the intron before coding-DNA position 836, C replaced by T.
Molecular consequence: intron variant.
Genome position (GRCh38, 1-based): chr15:26,561,196, G>A on the plus strand (C>T on the coding strand, the complement: GABRB3 is on the minus strand). VCF-style: chr15-26561196-G-A. GRCh37 (hg19) VCF-style: chr15-26806343-G-A.
Other names: c.836-20C>T (NM_021912.5); c.581-20C>T (NM_001278631.2, NM_001191320.2); c.623-20C>T (NM_001191321.3).
Identifiers: ClinVar variation 386722 (VCV000386722.8), dbSNP rs369364757, ClinGen allele CA7437347.